The following is an entry in ClinVar:

NM_001194998.2(CEP152):c.620C>T (p.Ser207Leu)

Gene: CEP152 (centrosomal protein 152; minus strand). Cytogenetic location: 15q21.1.
Variant type: single nucleotide variant.
Coding change: c.620C>T on transcript NM_001194998.2 (MANE Select); coding-DNA position 620, C replaced by T.
Protein change: p.Ser207Leu; replaces serine 207 with leucine.
Molecular consequence: missense variant.
Genome position (GRCh38, 1-based): chr15:48,796,081, G>A on the plus strand (C>T on the coding strand, the complement: CEP152 is on the minus strand). VCF-style: chr15-48796081-G-A. GRCh37 (hg19) VCF-style: chr15-49088278-G-A.
Other names: c.620C>T (NM_014985.3); c.620C>T, p.Ser207Leu (NM_014985.4); short protein forms S207L.
Identifiers: ClinVar variation 1390473 (VCV001390473.9), dbSNP rs754777587, ClinGen allele CA7549079.

ClinVar aggregate classification (germline): Uncertain significance. Review status: criteria provided, multiple submitters, no conflicts (2 of 4 stars). 3 submissions from 3 submitters: Uncertain significance (3). Last evaluated 2025-04-03.

Conditions:
Inborn genetic diseases. Identifiers: MedGen C0950123, MeSH D030342.

Allele frequency attached by ClinVar (database versions not stated): ExAC 0.00007; gnomAD exomes 0.00007 and 0.00014; TOPMed 0.00009; gnomAD 0.00010 and 0.00011.
gnomAD v4.1: 213 of 1,613,720 alleles (0.013%); highest among the groups gnomAD compares: Non-Finnish European, 0.016%; no homozygotes.

Submissions (3):

Ambry Genetics
Classification: Uncertain significance for Inborn genetic diseases. Last evaluated: 2025-04-03. Review status: criteria provided, single submitter. Criteria: Ambry Variant Classification Scheme 2023. Collection method: clinical testing. Allele origin: germline.

Labcorp Genetics (formerly Invitae), Labcorp
Classification: Uncertain significance. Last evaluated: 2021-09-24. Review status: criteria provided, single submitter. Criteria: Invitae Variant Classification Sherloc (09022015). Collection method: clinical testing. Allele origin: germline.
Comment: This sequence change replaces serine with leucine at codon 207 of the CEP152 protein (p.Ser207Leu). The serine residue is moderately conserved and there is a large physicochemical difference between serine and leucine. This variant is present in population databases (rs754777587, ExAC 0.01%). This variant has not been reported in the literature in individuals affected with CEP152-related conditions. Algorithms developed to predict the effect of missense changes on protein structure and function output the following: SIFT: "Tolerated"; PolyPhen-2: "Benign"; Align-GVGD: "Class C0". The leucine amino acid residue is found in multiple mammalian species, which suggests that this missense change does not adversely affect protein function. In summary, the available evidence is currently insufficient to determine the role of this variant in disease. Therefore, it has been classified as a Variant of Uncertain Significance.

Revvity Omics, Revvity
Classification: Uncertain significance. Last evaluated: 2021-01-11. Review status: criteria provided, single submitter. Criteria: ACMG Guidelines, 2015. Collection method: clinical testing. Allele origin: germline.